The following is an entry in ClinVar:

NM_182643.3(DLC1):c.4046C>T (p.Ser1349Leu)

Genes: DLC1 (DLC1 Rho GTPase activating protein; minus strand), LOC126860305 (MED14-independent group 3 enhancer GRCh37_chr8:12947375-12948574; plus strand). Cytogenetic location: 8p22.
Variant type: single nucleotide variant.
Coding change: c.4046C>T on transcript NM_182643.3 (MANE Select); coding-DNA position 4046, C replaced by T.
Protein change: p.Ser1349Leu; replaces serine 1349 with leucine.
Molecular consequence: missense variant.
Genome position (GRCh38, 1-based): chr8:13,090,280, G>A on the plus strand (C>T on the coding strand, the complement: DLC1 is on the minus strand). VCF-style: chr8-13090280-G-A. GRCh37 (hg19) VCF-style: chr8-12947789-G-A.
Other names: c.2513C>T, p.Ser838Leu (NM_001164271.2, NM_001348082.2, NM_001348083.1 and 6 more transcripts); c.2837C>T, p.Ser946Leu (NM_001316668.2); c.4046C>T, p.Ser1349Leu (NM_001348081.2, NM_001413124.1); c.2828C>T, p.Ser943Leu (NM_001413130.1); c.2486C>T, p.Ser829Leu (NM_001413131.1, NM_001413137.1); c.2972C>T, p.Ser991Leu (NM_001413132.1); c.2735C>T, p.Ser912Leu (NM_001413135.1, NM_001413139.1, NM_006094.5); c.2870C>T, p.Ser957Leu (NM_001413140.1); and 1 more; short protein forms S838L, S912L, S946L, S1349L, S943L, S991L, S829L, S957L.
Identifiers: ClinVar variation 2039491 (VCV002039491.7), dbSNP rs139251311, ClinGen allele CA4638069.

ClinVar aggregate classification (germline): Likely benign. Review status: criteria provided, multiple submitters, no conflicts (2 of 4 stars). 3 submissions from 3 submitters: Likely benign (2). 1 of the submissions does not count toward it. Last evaluated 2026-01-19.

Conditions:
DLC1-related disorder. Also called: DLC1-related condition.

Allele frequency attached by ClinVar (database versions not stated): 1000 Genomes Project 30x 0.00047; 1000 Genomes Project 0.00060; ESP Exome Variant Server 0.00154.
gnomAD v4.1: 2,148 of 1,614,154 alleles (0.13%); highest among the groups gnomAD compares: Non-Finnish European, 0.17%; 3 homozygotes.

Submissions (3):

Labcorp Genetics (formerly Invitae), Labcorp
Classification: Likely benign. Last evaluated: 2026-01-19. Review status: criteria provided, single submitter. Criteria: Invitae Variant Classification Sherloc (09022015). Collection method: clinical testing. Allele origin: germline.

Blueprint Genetics
Classification: Likely benign. Last evaluated: 2024-11-27. Review status: criteria provided, single submitter. Criteria: ACMG Guidelines, 2015. Collection method: clinical testing. Allele origin: germline.

PreventionGenetics, part of Exact Sciences
Classification: Likely benign for DLC1-related condition. Last evaluated: 2022-07-08. Review status: no assertion criteria provided. Collection method: clinical testing. Allele origin: germline. Not counted in ClinVar's aggregate classification.
Comment: This variant is classified as likely benign based on ACMG/AMP sequence variant interpretation guidelines (Richards et al. 2015 PMID: 25741868, with internal and published modifications).